The following is an entry in ClinVar:

ClinVar aggregate classification (germline): Conflicting classifications of pathogenicity. Review status: criteria provided, conflicting classifications (1 of 4 stars). 3 submissions from 3 submitters: Uncertain significance (2); Likely benign (1). Last evaluated 2025-07-08.

Conditions:
Hereditary cancer-predisposing syndrome. Also called: Tumor predisposition; Hereditary neoplastic syndrome; Neoplastic Syndromes, Hereditary; Hereditary Cancer Syndrome. Identifiers: Orphanet 140162, MedGen C0027672, MeSH D009386, MONDO:0015356.

Allele frequency attached by ClinVar (database versions not stated): gnomAD exomes below 0.00001; ExAC 0.00001.
gnomAD v4.1: 2 of 1,613,646 alleles (0.00012%); highest among the groups gnomAD compares: East Asian, 0.0022%; no homozygotes.

Submissions (3):

Ambry Genetics
Classification: Likely benign for Hereditary cancer-predisposing syndrome. Last evaluated: 2025-07-08. Review status: criteria provided, single submitter. Criteria: Ambry Variant Classification Scheme 2023. Collection method: clinical testing. Allele origin: germline.

Labcorp Genetics (formerly Invitae), Labcorp
Classification: Uncertain significance. Last evaluated: 2025-04-21. Review status: criteria provided, single submitter. Criteria: Invitae Variant Classification Sherloc (09022015). Collection method: clinical testing. Allele origin: germline.
Comment: This sequence change replaces glutamic acid, which is acidic and polar, with aspartic acid, which is acidic and polar, at codon 474 of the MSH3 protein (p.Glu474Asp). This variant is present in population databases (rs765517032, gnomAD 0.006%). This variant has not been reported in the literature in individuals affected with MSH3-related conditions. ClinVar contains an entry for this variant (Variation ID: 952191). An algorithm developed to predict the effect of missense changes on protein structure and function outputs the following: PolyPhen-2: "Benign". The aspartic acid amino acid residue is found in multiple mammalian species, which suggests that this missense change does not adversely affect protein function. In summary, the available evidence is currently insufficient to determine the role of this variant in disease. Therefore, it has been classified as a Variant of Uncertain Significance.

GeneDx
Classification: Uncertain significance. Last evaluated: 2023-05-10. Review status: criteria provided, single submitter. Criteria: GeneDx Variant Classification Process June 2021. Collection method: clinical testing. Allele origin: germline. Affected: yes.
Comment: Not observed at significant frequency in large population cohorts (gnomAD); In silico analysis supports that this missense variant does not alter protein structure/function; Has not been previously published as pathogenic or benign to our knowledge

NM_002439.5(MSH3):c.1422G>T (p.Glu474Asp)

Gene: MSH3 (mutS homolog 3; plus strand). Cytogenetic location: 5q14.1.
Variant type: single nucleotide variant.
Coding change: c.1422G>T on transcript NM_002439.5 (MANE Select); coding-DNA position 1422, G replaced by T.
Protein change: p.Glu474Asp; replaces glutamic acid 474 with aspartic acid.
Molecular consequence: missense variant.
Genome position (GRCh38, 1-based): chr5:80,725,534, G>T. VCF-style: chr5-80725534-G-T. GRCh37 (hg19) VCF-style: chr5-80021353-G-T.
Other names: short protein forms E474D.
Identifiers: ClinVar variation 952191 (VCV000952191.11), dbSNP rs765517032, ClinGen allele CA3327902.